The following is an entry in ClinVar:

ClinVar aggregate classification (germline): Uncertain significance (1 of 4 stars; one submission).

Submission:

GeneDx
Classification: Uncertain significance. Last evaluated: 2025-02-20. Review status: criteria provided, single submitter. Criteria: GeneDx Variant Classification Process June 2021. Collection method: clinical testing. Allele origin: germline. Affected: yes.
Comment: Not observed at significant frequency in large population cohorts (gnomAD); In silico analysis supports that this missense variant has a deleterious effect on protein structure/function; Has not been previously published as pathogenic or benign to our knowledge

NM_057176.3(BSND):c.118A>G (p.Met40Val)

Gene: BSND (barttin CLCNK type accessory subunit beta; plus strand). Cytogenetic location: 1p32.3.
Variant type: single nucleotide variant.
Coding change: c.118A>G on transcript NM_057176.3 (MANE Select); coding-DNA position 118, A replaced by G.
Protein change: p.Met40Val; replaces methionine 40 with valine.
Molecular consequence: missense variant.
Genome position (GRCh38, 1-based): chr1:54,999,304, A>G. VCF-style: chr1-54999304-A-G. GRCh37 (hg19) VCF-style: chr1-55464977-A-G.
Other names: short protein forms M40V.
Identifiers: ClinVar variation 4076786 (VCV004076786.1).
Genomic context (GRCh38, chr1:54,999,304, plus strand): 5'-GCCCTCGGTACGTTCCTCATGAGCCATGATCGGCCCCAGGTCTACGGCACCTTCTATGCC[A>G]TGGGCAGCGTCATGGTGATCGGGGGCATCATCTGGAGCATGTGCCAGTGCTACCCCAAGG-3'
Protein context (NP_476517.1, residues 30-50): RPQVYGTFYA[Met40Val]GSVMVIGGII